The following is an entry in ClinVar:

NM_001242.5(CD27):c.269-3C>T

Genes: CD27 (CD27 molecule; plus strand), CD27-AS1 (CD27 antisense RNA 1; minus strand). Cytogenetic location: 12p13.31.
Variant type: single nucleotide variant.
Coding change: c.269-3C>T on transcript NM_001242.5 (MANE Select); 3 bases into the intron before coding-DNA position 269, C replaced by T.
Molecular consequence: intron variant.
Genome position (GRCh38, 1-based): chr12:6,450,170, C>T. VCF-style: chr12-6450170-C-T. GRCh37 (hg19) VCF-style: chr12-6559336-C-T.
Identifiers: ClinVar variation 851730 (VCV000851730.3), dbSNP rs1188316579, ClinGen allele CA603484026.
Genomic context (GRCh38, chr12:6,450,170, plus strand): 5'-GTGGACCTTGAAGGTCTCCACAGGTCTGAGTGTCCTATGCTCCCTGGGCCTCTCTTCCCC[C>T]AGGTCTTCTCGTTCGCAACTGCACCATCACTGCCAATGCTGAGTGTGCCTGTCGCAATGG-3'

ClinVar aggregate classification (germline): Uncertain significance (1 of 4 stars; one submission).

Conditions:
Lymphoproliferative syndrome 2 (LPFS2). Also called: Combined immunodeficiency due to CD27 deficiency; CD27 DEFICIENCY. Identifiers: Orphanet 238505, MedGen C3554540, MONDO:0014054, OMIM 615122.

Allele frequency attached by ClinVar (database versions not stated): gnomAD exomes below 0.00001 and 0.00001; TOPMed 0.00002.
gnomAD v4.1: 15 of 1,610,462 alleles (0.00093%); highest among the groups gnomAD compares: Non-Finnish European, 0.0012%; no homozygotes.

Submission:

Labcorp Genetics (formerly Invitae), Labcorp
Classification: Uncertain significance for Lymphoproliferative syndrome 2. Last evaluated: 2023-08-29. Review status: criteria provided, single submitter. Criteria: Invitae Variant Classification Sherloc (09022015). Collection method: clinical testing. Allele origin: germline.
Comment: In summary, the available evidence is currently insufficient to determine the role of this variant in disease. Therefore, it has been classified as a Variant of Uncertain Significance. Variants that disrupt the consensus splice site are a relatively common cause of aberrant splicing (PMID: 17576681, 9536098). Algorithms developed to predict the effect of sequence changes on RNA splicing suggest that this variant is not likely to affect RNA splicing. ClinVar contains an entry for this variant (Variation ID: 851730). This variant has not been reported in the literature in individuals affected with CD27-related conditions. The frequency data for this variant in the population databases is considered unreliable, as metrics indicate poor data quality at this position in the gnomAD database. This sequence change falls in intron 2 of the CD27 gene. It does not directly change the encoded amino acid sequence of the CD27 protein. It affects a nucleotide within the consensus splice site.

Literature cited by the submitters: PubMed 17576681; PubMed 9536098.